The following is an entry in ClinVar:

NM_014714.4(IFT140):c.1862G>A (p.Arg621Gln)

Gene: IFT140 (intraflagellar transport 140; minus strand). Cytogenetic location: 16p13.3.
Variant type: single nucleotide variant.
Coding change: c.1862G>A on transcript NM_014714.4 (MANE Select); coding-DNA position 1862, G replaced by A.
Protein change: p.Arg621Gln; replaces arginine 621 with glutamine.
Molecular consequence: missense variant.
Genome position (GRCh38, 1-based): chr16:1,566,200, C>T on the plus strand (G>A on the coding strand, the complement: IFT140 is on the minus strand). VCF-style: chr16-1566200-C-T. GRCh37 (hg19) VCF-style: chr16-1616201-C-T.
Other names: short protein forms R621Q.
Identifiers: ClinVar variation 318185 (VCV000318185.16), dbSNP rs11648609, ClinGen allele CA7814114.

ClinVar aggregate classification (germline): Benign. Review status: criteria provided, multiple submitters, no conflicts (2 of 4 stars). 6 submissions from 6 submitters: Benign (6). Last evaluated 2026-02-04.

Conditions:
Retinal dystrophy. Also called: Inherited retinal dystrophy. Identifiers: Orphanet 71862, MedGen C0854723, MeSH D058499, MONDO:0019118, HP:0000556.
Saldino-Mainzer syndrome (SRTD9). Also called: Renal dysplasia, retinal pigmentary dystrophy, cerebellar ataxia and skeletal dysplasia; SHORT-RIB THORACIC DYSPLASIA 9 WITHOUT POLYDACTYLY; CONORENAL SYNDROME; short-rib thoracic dysplasia 9 with or without polydactyly. Identifiers: Orphanet 140969, MedGen C1849437, MONDO:0009964, OMIM 266920.

Allele frequency attached by ClinVar (database versions not stated): ESP Exome Variant Server 0.03793; gnomAD 0.05163 and 0.05247; gnomAD exomes 0.05579 and 0.08796; TOPMed 0.06713; 1000 Genomes Project 30x 0.06902; 1000 Genomes Project 0.07129; ExAC 0.07687.
gnomAD v4.1: 89,503 of 1,613,408 alleles (5.5%); highest among the groups gnomAD compares: Admixed American, 27%; 4,674 homozygotes.

Submissions (6):

Labcorp Genetics (formerly Invitae), Labcorp
Classification: Benign for Saldino-Mainzer syndrome. Last evaluated: 2026-02-04. Review status: criteria provided, single submitter. Criteria: Invitae Variant Classification Sherloc (09022015). Collection method: clinical testing. Allele origin: germline.

Dept Of Ophthalmology, Nagoya University
Classification: Benign for Retinal dystrophy. Last evaluated: 2023-10-01. Review status: criteria provided, single submitter. Criteria: Submitter's publication. Collection method: research. Allele origin: germline. Affected: yes.

Mayo Clinic Laboratories, Mayo Clinic
Classification: Benign. Last evaluated: 2022-03-09. Review status: criteria provided, single submitter. Criteria: ACMG Guidelines, 2015. Collection method: clinical testing. Allele origin: germline. Observed: 10 variant alleles.

Illumina Laboratory Services, Illumina
Classification: Benign for Saldino-Mainzer syndrome. Last evaluated: 2018-01-12. Review status: criteria provided, single submitter. Criteria: ICSL Variant Classification Criteria 13 December 2019. Collection method: clinical testing. Allele origin: germline.
Comment: This variant was observed in the ICSL laboratory as part of a predisposition screen in an ostensibly healthy population. It had not been previously curated by ICSL or reported in the Human Gene Mutation Database (HGMD: prior to June 1st, 2018), and was therefore a candidate for classification through an automated scoring system. Utilizing variant allele frequency, disease prevalence and penetrance estimates, and inheritance mode, an automated score was calculated to assess if this variant is too frequent to cause the disease. Based on the score and internal cut-off values, a variant classified as benign is not then subjected to further curation. The score for this variant resulted in a classification of benign for this disease.

GeneDx
Classification: Benign. Last evaluated: 2017-10-26. Review status: criteria provided, single submitter. Criteria: GeneDx Variant Classification (06012015). Collection method: clinical testing. Allele origin: germline. Affected: yes.
Comment: This variant is considered likely benign or benign based on one or more of the following criteria: it is a conservative change, it occurs at a poorly conserved position in the protein, it is predicted to be benign by multiple in silico algorithms, and/or has population frequency not consistent with disease.

Breakthrough Genomics
Classification: Benign. Review status: criteria provided, single submitter. Criteria: ACMG Guidelines, 2015. Collection method: not provided. Allele origin: germline. Inheritance: Autosomal recessive inheritance. Affected: yes.